The following is an entry in ClinVar:

ClinVar aggregate classification (germline): Uncertain significance (1 of 4 stars; one submission).

Submission:

Labcorp Genetics (formerly Invitae), Labcorp
Classification: Uncertain significance. Last evaluated: 2024-04-14. Review status: criteria provided, single submitter. Criteria: Invitae Variant Classification Sherloc (09022015). Collection method: clinical testing. Allele origin: germline.
Comment: This variant, c.771_791del, results in the deletion of 7 amino acid(s) of the TNFRSF6B protein (p.Arg258_Leu264del), but otherwise preserves the integrity of the reading frame. This variant is present in population databases (no rsID available, gnomAD 0.001%). This variant has not been reported in the literature in individuals affected with TNFRSF6B-related conditions. Experimental studies and prediction algorithms are not available or were not evaluated, and the functional significance of this variant is currently unknown. In summary, the available evidence is currently insufficient to determine the role of this variant in disease. Therefore, it has been classified as a Variant of Uncertain Significance.

NM_003823.4(TNFRSF6B):c.771_791del (p.Arg258_Leu264del)

Genes: RTEL1-TNFRSF6B (RTEL1-TNFRSF6B readthrough (NMD candidate); plus strand), TNFRSF6B (TNF receptor superfamily member 6b; plus strand). Cytogenetic location: 20q13.33.
Variant type: Deletion.
Coding change: c.771_791del on transcript NM_003823.4 (MANE Select); coding-DNA positions 771 to 791, 21 bases deleted (GCGTCGGCGGCTCACGGAGCT).
Protein change: p.Arg258_Leu264del.
Molecular consequence: inframe deletion. On other transcripts: non-coding transcript variant (1).
Genome position (GRCh38, 1-based): chr20:63,698,431-63,698,451, GCGTCGGCGGCTCACGGAGCT deleted; deleting any 21 consecutive bases within chr20:63,698,427-63,698,451 gives the same sequence; the c. name uses the placement nearest the transcript's 3' end. VCF-style (leftmost placement, unchanged base first): chr20-63698426-AAGCTGCGTCGGCGGCTCACGG-A. GRCh37 (hg19) VCF-style: chr20-62329779-AAGCTGCGTCGGCGGCTCACGG-A.
Identifiers: ClinVar variation 2997238 (VCV002997238.3), dbSNP rs1355600145, ClinGen allele CA636615688.
Genomic context (GRCh38, chr20:63,698,426, plus strand): 5'-CTCGAGGCCCCGGAGGGCTGGGGTCCGACACCAAGGGCGGGCCGCGCGGCCTTGCAGCTG[AAGCTGCGTCGGCGGCTCACGG>A]AGCTCCTGGGGGCGCAGGACGGGGCGCTGCTGGTGCGGCTGCTGCAGGCGCTGCGCGTGG-3'